The following is an entry in ClinVar:

NM_031844.3(HNRNPU):c.389A>G (p.Asp130Gly)

Gene: HNRNPU (heterogeneous nuclear ribonucleoprotein U; minus strand). Cytogenetic location: 1q44.
Variant type: single nucleotide variant.
Coding change: c.389A>G on transcript NM_031844.3 (MANE Select); coding-DNA position 389, A replaced by G.
Protein change: p.Asp130Gly; replaces aspartic acid 130 with glycine.
Molecular consequence: missense variant.
Genome position (GRCh38, 1-based): chr1:244,863,919, T>C on the plus strand (A>G on the coding strand, the complement: HNRNPU is on the minus strand). VCF-style: chr1-244863919-T-C. GRCh37 (hg19) VCF-style: chr1-245027221-T-C.
Other names: c.389A>G, p.Asp130Gly (NM_004501.3); short protein forms D130G.
Identifiers: ClinVar variation 2914195 (VCV002914195.3), dbSNP rs768631349, ClinGen allele CA1486808.

ClinVar aggregate classification (germline): Uncertain significance (1 of 4 stars; one submission).

Conditions:
Developmental and epileptic encephalopathy, 54. Also called: Epileptic encephalopathy, early infantile, 54; HNRNPU-Related Neurodevelopmental Disorder. Identifiers: MedGen C4479319, MONDO:0033363, OMIM 617391.

Allele frequency attached by ClinVar (database versions not stated): gnomAD exomes below 0.00001; TOPMed below 0.00001; ExAC 0.00002.

Submission:

Labcorp Genetics (formerly Invitae), Labcorp
Classification: Uncertain significance for Developmental and epileptic encephalopathy, 54. Last evaluated: 2024-05-15. Review status: criteria provided, single submitter. Criteria: Invitae Variant Classification Sherloc (09022015). Collection method: clinical testing. Allele origin: germline.
Comment: This sequence change replaces aspartic acid, which is acidic and polar, with glycine, which is neutral and non-polar, at codon 130 of the HNRNPU protein (p.Asp130Gly). This variant is present in population databases (rs768631349, gnomAD 0.006%). This variant has not been reported in the literature in individuals affected with HNRNPU-related conditions. An algorithm developed to predict the effect of missense changes on protein structure and function (PolyPhen-2) suggests that this variant is likely to be disruptive. In summary, the available evidence is currently insufficient to determine the role of this variant in disease. Therefore, it has been classified as a Variant of Uncertain Significance.